The following is an entry in ClinVar:

NM_005476.7(GNE):c.1534G>T (p.Val512Leu)

Gene: GNE (glucosamine (UDP-N-acetyl)-2-epimerase/N-acetylmannosamine kinase; minus strand). Cytogenetic location: 9p13.3.
Variant type: single nucleotide variant.
Coding change: c.1534G>T on transcript NM_005476.7 (MANE Select); coding-DNA position 1534, G replaced by T.
Protein change: p.Val512Leu; replaces valine 512 with leucine.
Molecular consequence: missense variant. On other transcripts: intron variant (1).
Genome position (GRCh38, 1-based): chr9:36,222,876, C>A on the plus strand (G>T on the coding strand, the complement: GNE is on the minus strand). VCF-style: chr9-36222876-C-A. GRCh37 (hg19) VCF-style: chr9-36222873-C-A.
Other names: c.1627G>T, p.Val543Leu (NM_001128227.3); c.1204G>T, p.Val402Leu (NM_001190384.3); c.1357G>T, p.Val453Leu (NM_001190388.2, NM_001374798.1); c.1381G>T, p.Val461Leu (NM_001374797.1); c.1411+497G>T (NM_001190383.3); short protein forms V461L, V402L, V453L, V512L, V543L.
Identifiers: ClinVar variation 1479032 (VCV001479032.8), dbSNP rs1279384333, ClinGen allele CA373426423.

ClinVar aggregate classification (germline): Uncertain significance (1 of 4 stars; one submission).

Conditions:
GNE myopathy (NM). Also called: NONAKA DISTAL MYOPATHY; INCLUSION BODY MYOPATHY, HEREDITARY, AUTOSOMAL RECESSIVE; INCLUSION BODY MYOPATHY 2, AUTOSOMAL RECESSIVE; MYOPATHY, DISTAL, WITH OR WITHOUT RIMMED VACUOLES; IBM 2; Inclusion body myopathy autosomal recessive. Identifiers: Orphanet 602, MedGen C1853926, MONDO:0011603, OMIM 605820.
Sialuria. Also called: Sialic Acid Storage Disease; SIALURIA, FRENCH TYPE. Identifiers: Orphanet 3166, MedGen C0342853, MONDO:0010028, OMIM 269921.

gnomAD v4.1: 1 of 1,614,156 alleles (0.000062%); highest among the groups gnomAD compares: South Asian, 0.0011%; no homozygotes.

Submission:

Labcorp Genetics (formerly Invitae), Labcorp
Classification: Uncertain significance for Sialuria; GNE myopathy. Last evaluated: 2022-10-05. Review status: criteria provided, single submitter. Criteria: Invitae Variant Classification Sherloc (09022015). Collection method: clinical testing. Allele origin: germline.
Comment: This sequence change replaces valine, which is neutral and non-polar, with leucine, which is neutral and non-polar, at codon 543 of the GNE protein (p.Val543Leu). This variant is not present in population databases (gnomAD no frequency). This variant has not been reported in the literature in individuals affected with GNE-related conditions. ClinVar contains an entry for this variant (Variation ID: 1479032). Algorithms developed to predict the effect of missense changes on protein structure and function (SIFT, PolyPhen-2, Align-GVGD) all suggest that this variant is likely to be disruptive. Algorithms developed to predict the effect of sequence changes on RNA splicing suggest that this variant may create or strengthen a splice site. This variant disrupts the p.Val543 amino acid residue in GNE. Other variant(s) that disrupt this residue have been determined to be pathogenic (PMID: 25986339, 30160005). This suggests that this residue is clinically significant, and that variants that disrupt this residue are likely to be disease-causing. In summary, the available evidence is currently insufficient to determine the role of this variant in disease. Therefore, it has been classified as a Variant of Uncertain Significance.

Literature cited by the submitters: PubMed 25986339; PubMed 30160005.